The following is an entry in ClinVar:

ClinVar aggregate classification (germline): Uncertain significance. Review status: criteria provided, multiple submitters, no conflicts (2 of 4 stars). 3 submissions from 3 submitters: Uncertain significance (3). Last evaluated 2026-07-01.

Allele frequency attached by ClinVar (database versions not stated): ESP Exome Variant Server 0.00008.
gnomAD v4.1: 43 of 1,613,186 alleles (0.0027%); highest among the groups gnomAD compares: South Asian, 0.02%; no homozygotes.

Submissions (3):

CeGaT Center for Human Genetics Tuebingen
Classification: Uncertain significance. Last evaluated: 2026-07-01. Review status: criteria provided, single submitter. Criteria: CeGaT Center For Human Genetics Tuebingen Variant Classification Criteria Version 2. Collection method: clinical testing. Allele origin: germline. Affected: yes. Observed: 1 variant allele.
Comment: PCLO: PM2, BP4

Women's Health and Genetics/Laboratory Corporation of America, LabCorp
Classification: Uncertain significance. Last evaluated: 2024-04-05. Review status: criteria provided, single submitter. Criteria: LabCorp Variant Classification Summary - May 2015. Collection method: clinical testing. Allele origin: germline.
Comment: Variant summary: PCLO c.8192G>A (p.Arg2731His) results in a non-conservative amino acid change in the encoded protein sequence. Four of five in-silico tools predict a damaging effect of the variant on protein function. The variant allele was found at a frequency of 1.6e-05 in 247248 control chromosomes (gnomAD). The available data on variant occurrences in the general population are insufficient to allow any conclusion about variant significance. To our knowledge, no occurrence of c.8192G>A in individuals affected with Pontocerebellar Hypoplasia Type 3 and no experimental evidence demonstrating its impact on protein function have been reported. ClinVar contains an entry for this variant (Variation ID: 1377496). Based on the evidence outlined above, the variant was classified as uncertain significance.

Labcorp Genetics (formerly Invitae), Labcorp
Classification: Uncertain significance. Last evaluated: 2022-07-23. Review status: criteria provided, single submitter. Criteria: Invitae Variant Classification Sherloc (09022015). Collection method: clinical testing. Allele origin: germline.
Comment: This sequence change replaces arginine, which is basic and polar, with histidine, which is basic and polar, at codon 2731 of the PCLO protein (p.Arg2731His). This variant is present in population databases (rs200140697, gnomAD 0.01%). This variant has not been reported in the literature in individuals affected with PCLO-related conditions. ClinVar contains an entry for this variant (Variation ID: 1377496). Algorithms developed to predict the effect of missense changes on protein structure and function are either unavailable or do not agree on the potential impact of this missense change (SIFT: "Deleterious"; PolyPhen-2: "Not Available"; Align-GVGD: "Class C0"). In summary, the available evidence is currently insufficient to determine the role of this variant in disease. Therefore, it has been classified as a Variant of Uncertain Significance.

NM_033026.6(PCLO):c.8192G>A (p.Arg2731His)

Gene: PCLO (piccolo presynaptic cytomatrix protein; minus strand). Cytogenetic location: 7q21.11.
Variant type: single nucleotide variant.
Coding change: c.8192G>A on transcript NM_033026.6 (MANE Select); coding-DNA position 8192, G replaced by A.
Protein change: p.Arg2731His; replaces arginine 2731 with histidine.
Molecular consequence: missense variant.
Genome position (GRCh38, 1-based): chr7:82,952,761, C>T on the plus strand (G>A on the coding strand, the complement: PCLO is on the minus strand). VCF-style: chr7-82952761-C-T. GRCh37 (hg19) VCF-style: chr7-82582077-C-T.
Other names: c.8192G>A, p.Arg2731His (NM_014510.3); short protein forms R2731H.
Identifiers: ClinVar variation 1377496 (VCV001377496.5), dbSNP rs200140697, ClinGen allele CA4320164.